The following is an entry in ClinVar:

ClinVar aggregate classification (germline): Uncertain significance (0 of 4 stars; one submission).

Conditions:
TUBA4A-related disorder. Also called: TUBA4A-related condition.

Submission:

PreventionGenetics, part of Exact Sciences
Classification: Uncertain significance for TUBA4A-related condition. Last evaluated: 2024-06-03. Review status: no assertion criteria provided. Collection method: clinical testing. Allele origin: germline.
Comment: The TUBA4A c.376-1G>A variant is predicted to disrupt the AG splice acceptor site and interfere with normal splicing. This variant is predicted to disrupt splicing at the acceptor splice site; however, this variant is located within exon four of four, and its impact has not been functionally validated (SpliceAI, Jaganathan et al. 2019. PubMed ID: 30661751). To our knowledge, this variant has not been reported in the literature or in a large population database, indicating this variant is rare. At this time, the clinical significance of this variant is uncertain due to the absence of conclusive functional and genetic evidence.

NM_006000.3(TUBA4A):c.376-1G>A

Gene: TUBA4A (tubulin alpha 4a; minus strand). Cytogenetic location: 2q35.
Variant type: single nucleotide variant.
Coding change: c.376-1G>A on transcript NM_006000.3 (MANE Select); the canonical splice acceptor site of the intron before coding-DNA position 376, G replaced by A.
Molecular consequence: splice acceptor variant.
Genome position (GRCh38, 1-based): chr2:219,251,324, C>T on the plus strand (G>A on the coding strand, the complement: TUBA4A is on the minus strand). VCF-style: chr2-219251324-C-T. GRCh37 (hg19) VCF-style: chr2-220116046-C-T.
Other names: c.331-1G>A (NM_001278552.2).
Identifiers: ClinVar variation 3345669 (VCV003345669.1).
Genomic context (GRCh38, chr2:219,251,324, plus strand): 5'-AGTGCCCCCACCAAAGCTGTGGAACACCAGGAAGCCCTGAAGTCCTGTGCACTGGTCAGA[C>T]TGAAAGGCAAGAACGAGAAAGAACAGTTTAGGTAGGGGAGGGGCCTGAGGGACTCTATCA-3'